The following is an entry in ClinVar:

ClinVar aggregate classification (germline): Pathogenic (1 of 4 stars; one submission).

Conditions:
Hereditary spastic paraplegia 11. Also called: SPASTIC PARAPLEGIA, AUTOSOMAL RECESSIVE, COMPLICATED, WITH THIN CORPUS CALLOSUM; SPASTIC PARAPLEGIA, AUTOSOMAL RECESSIVE, WITH MENTAL IMPAIRMENT AND THIN CORPUS CALLOSUM; Spastic Paraplegia 11; Spastic paraplegia, mental retardation and thin corpus callosum; Nakamura Osame syndrome; Autosomal recessive hereditary spastic paraplegia, mental impairment, and thin corpus callosum. Identifiers: Orphanet 2822, MedGen C1858479, MONDO:0011445, OMIM 604360.

Submission:

Juno Genomics, Hangzhou Juno Genomics, Inc
Classification: Pathogenic for Hereditary spastic paraplegia 11. Review status: criteria provided, single submitter. Criteria: ACMG Guidelines, 2015. Collection method: clinical testing. Allele origin: germline. Affected: yes.
Comment: Absent from controls (or at extremely low frequency if recessive) in Genome Aggregation Database, Exome Sequencing Project, 1000 Genomes Project, or Exome Aggregation Consortium.;Null variant in a gene where loss of function (LOF) is a known mechanism of disease.;For recessive disorders, detected in trans with a pathogenic variant.;Patient's phenotype or family history is highly specific for a disease with a single genetic etiology.

NM_025137.4(SPG11):c.2633_2634del (p.Tyr878fs)

Gene: SPG11 (SPG11 vesicle trafficking associated, spatacsin; minus strand). Cytogenetic location: 15q21.1.
Variant type: Microsatellite.
Coding change: c.2633_2634del on transcript NM_025137.4 (MANE Select); coding-DNA positions 2633 to 2634, 2 bases deleted (AT; older notation c.2633_2634delAT).
Protein change: p.Tyr878fs; shifts the reading frame from tyrosine 878.
Molecular consequence: frameshift variant.
Genome position (GRCh38, 1-based): chr15:44,620,390-44,620,391, AT deleted on the plus strand (AT on the coding strand, the reverse complement: SPG11 is on the minus strand); deleting any 2 consecutive bases within chr15:44,620,390-44,620,393 gives the same sequence; the c. name uses the placement nearest the transcript's 3' end. VCF-style (leftmost placement, unchanged base first): chr15-44620389-AAT-A. GRCh37 (hg19) VCF-style: chr15-44912587-AAT-A.
Other names: c.2633_2634del, p.Tyr878fs (NM_001160227.2, NM_001411132.1); short protein forms Y878fs.
Identifiers: ClinVar variation 3899373 (VCV003899373.2).
Genomic context (GRCh38, chr15:44,620,389, plus strand): 5'-ATAAGATAATGTTTAACCAATCATGGCGAGCTGTGAGGTATCTCCAGAGGGCTTCAGGGG[AAT>A]ATGATTTGTATTCTACATGAAAAAAAACACATTTTAAAATATAATTAATTATGTCTATTG-3'